The following is an entry in ClinVar:

ClinVar aggregate classification (germline): Benign. Review status: criteria provided, multiple submitters, no conflicts (2 of 4 stars). 2 submissions from 2 submitters: Benign (2). Last evaluated 2018-01-13.

Conditions:
Autosomal dominant striatal neurodegeneration type 1. Identifiers: Orphanet 228169, MedGen C4310808, MONDO:0012205, OMIM 609161.

Allele frequency attached by ClinVar (database versions not stated): gnomAD 0.45640 and 0.45685; TOPMed 0.46377; gnomAD exomes 0.35030; 1000 Genomes Project 0.44549; 1000 Genomes Project 30x 0.45128.
gnomAD v4.1: 71,320 of 157,628 alleles (45%); highest among the groups gnomAD compares: African/African-American, 54%; 16,593 homozygotes.

Submissions (2):

Illumina Laboratory Services, Illumina
Classification: Benign for Autosomal dominant striatal neurodegeneration type 1. Last evaluated: 2018-01-13. Review status: criteria provided, single submitter. Criteria: ICSL Variant Classification Criteria 13 December 2019. Collection method: clinical testing. Allele origin: germline.
Comment: This variant was observed in the ICSL laboratory as part of a predisposition screen in an ostensibly healthy population. It had not been previously curated by ICSL or reported in the Human Gene Mutation Database (HGMD: prior to June 1st, 2018), and was therefore a candidate for classification through an automated scoring system. Utilizing variant allele frequency, disease prevalence and penetrance estimates, and inheritance mode, an automated score was calculated to assess if this variant is too frequent to cause the disease. Based on the score and internal cut-off values, a variant classified as benign is not then subjected to further curation. The score for this variant resulted in a classification of benign for this disease.

Breakthrough Genomics
Classification: Benign. Review status: criteria provided, single submitter. Criteria: ACMG Guidelines, 2015. Collection method: not provided. Allele origin: germline. Inheritance: Autosomal dominant inheritance. Affected: yes.

NM_003719.5(PDE8B):c.*512T>C

Gene: PDE8B (phosphodiesterase 8B; plus strand). Cytogenetic location: 5q13.3.
Variant type: single nucleotide variant.
Coding change: c.*512T>C on transcript NM_003719.5 (MANE Select); 512 bases downstream of the stop codon, T replaced by C.
Molecular consequence: 3 prime UTR variant.
Genome position (GRCh38, 1-based): chr5:77,427,066, T>C. VCF-style: chr5-77427066-T-C. GRCh37 (hg19) VCF-style: chr5-76722891-T-C.
Other names: c.*512T>C (NM_001029851.4, NM_001029852.4, NM_001029853.4 and 19 more transcripts); c.*598T>C (NM_001349751.3, NM_001376072.1).
Identifiers: ClinVar variation 354192 (VCV000354192.6), dbSNP rs460267, ClinGen allele CA10624971.